The following is an entry in ClinVar:

ClinVar aggregate classification (germline): Uncertain significance. Review status: criteria provided, multiple submitters, no conflicts (2 of 4 stars). 2 submissions from 2 submitters: Uncertain significance (2). Last evaluated 2026-01-19.

Conditions:
Familial thoracic aortic aneurysm and aortic dissection (TAAD). Also called: Thoracic aortic aneurysms and dissections. Identifiers: Orphanet 91387, MedGen C4707243, MONDO:0019625.
Ehlers-Danlos syndrome, classic type, 1 (EDSCL1). Also called: Ehlers-Danlos Syndrome, Classic Type, COL5A1-Related; EDS I; Ehlers-Danlos syndrome, type 1; EHLERS-DANLOS SYNDROME, GRAVIS TYPE; EHLERS-DANLOS SYNDROME, SEVERE CLASSIC TYPE. Identifiers: MedGen C0268335, MONDO:0019567, OMIM 130000.

Submissions (2):

Labcorp Genetics (formerly Invitae), Labcorp
Classification: Uncertain significance for Ehlers-Danlos syndrome, classic type, 1. Last evaluated: 2026-01-19. Review status: criteria provided, single submitter. Criteria: Invitae Variant Classification Sherloc (09022015). Collection method: clinical testing. Allele origin: germline.
Comment: This sequence change replaces serine, which is neutral and polar, with proline, which is neutral and non-polar, at codon 101 of the COL5A1 protein (p.Ser101Pro). This variant is not present in population databases (gnomAD no frequency). This missense change has been observed in individuals with Ehlers-Danlos syndrome (internal data). ClinVar contains an entry for this variant (Variation ID: 519637). Invitae Evidence Modeling of protein sequence and biophysical properties (such as structural, functional, and spatial information, amino acid conservation, physicochemical variation, residue mobility, and thermodynamic stability) indicates that this missense variant is not expected to disrupt COL5A1 protein function with a negative predictive value of 95%. In summary, the available evidence is currently insufficient to determine the role of this variant in disease. Therefore, it has been classified as a Variant of Uncertain Significance.

Ambry Genetics
Classification: Uncertain significance for Familial thoracic aortic aneurysm and aortic dissection. Last evaluated: 2016-09-08. Review status: criteria provided, single submitter. Criteria: Ambry Variant Classification Scheme 2023. Collection method: clinical testing. Allele origin: germline.
Comment: The p.S101P variant (also known as c.301T>C), located in coding exon 3 of the COL5A1 gene, results from a T to C substitution at nucleotide position 301. The serine at codon 101 is replaced by proline, an amino acid with some similar properties. This variant was not reported in population based cohorts in the following databases: Database of Single Nucleotide Polymorphisms (dbSNP), NHLBI Exome Sequencing Project (ESP), and 1000 Genomes Project. In the ESP, this variant was not observed in 6503 samples (13006 alleles) with coverage at this position. This amino acid position is highly conserved in available vertebrate species. In addition, the in silico prediction for this alteration is inconclusive. Since supporting evidence is limited at this time, the clinical significance of this alteration remains unclear.

NM_000093.5(COL5A1):c.301T>C (p.Ser101Pro)

Gene: COL5A1 (collagen type V alpha 1 chain; plus strand). Cytogenetic location: 9q34.3.
Variant type: single nucleotide variant.
Coding change: c.301T>C on transcript NM_000093.5 (MANE Select); coding-DNA position 301, T replaced by C.
Protein change: p.Ser101Pro; replaces serine 101 with proline.
Molecular consequence: missense variant.
Genome position (GRCh38, 1-based): chr9:134,699,932, T>C. VCF-style: chr9-134699932-T-C. GRCh37 (hg19) VCF-style: chr9-137591778-T-C.
Other names: c.301T>C, p.Ser101Pro (NM_001278074.1); short protein forms S101P.
Identifiers: ClinVar variation 519637 (VCV000519637.8), dbSNP rs1554781476, ClinGen allele CA375442406.